The following is an entry in ClinVar:

ClinVar aggregate classification (germline): Uncertain significance (1 of 4 stars; one submission).

Submission:

Labcorp Genetics (formerly Invitae), Labcorp
Classification: Uncertain significance. Last evaluated: 2025-09-21. Review status: criteria provided, single submitter. Criteria: Invitae Variant Classification Sherloc (09022015). Collection method: clinical testing. Allele origin: germline.
Comment: This sequence change replaces proline, which is neutral and non-polar, with serine, which is neutral and polar, at codon 8 of the ARHGEF10 protein (p.Pro8Ser). This variant is present in population databases (no rsID available, gnomAD 0.0009%). This variant has not been reported in the literature in individuals affected with ARHGEF10-related conditions. An algorithm developed to predict the effect of missense changes on protein structure and function (PolyPhen-2) suggests that this variant is likely to be tolerated. In summary, the available evidence is currently insufficient to determine the role of this variant in disease. Therefore, it has been classified as a Variant of Uncertain Significance.

NM_014629.4(ARHGEF10):c.22C>T (p.Pro8Ser)

Genes: ARHGEF10 (Rho guanine nucleotide exchange factor 10; plus strand), LOC126860279 (CDK7 strongly-dependent group 2 enhancer GRCh37_chr8:1791725-1792924; plus strand). Cytogenetic location: 8p23.3.
Variant type: single nucleotide variant.
Coding change: c.22C>T on transcript NM_014629.4 (MANE Select); coding-DNA position 22, C replaced by T.
Protein change: p.Pro8Ser; replaces proline 8 with serine.
Molecular consequence: missense variant.
Genome position (GRCh38, 1-based): chr8:1,843,421, C>T. VCF-style: chr8-1843421-C-T. GRCh37 (hg19) VCF-style: chr8-1791587-C-T.
Other names: c.22C>T, p.Pro8Ser (NM_001308152.2, NM_001308153.3, NM_001438091.1 and 3 more transcripts); short protein forms P32S, P8S.
Identifiers: ClinVar variation 4775796 (VCV004775796.1).